The following is an entry in ClinVar:

ClinVar aggregate classification (germline): Uncertain significance (1 of 4 stars; one submission).

Conditions:
Intellectual developmental disorder, X-linked, syndromic 14. Also called: Syndromic X-linked intellectual disability 14. Identifiers: Orphanet 776, MedGen C1970822, MONDO:0010398, OMIM 300676.

Allele frequency attached by ClinVar (database versions not stated): ExAC 0.00001; gnomAD 0.00001; TOPMed 0.00003; gnomAD exomes below 0.00001.

Submission:

Labcorp Genetics (formerly Invitae), Labcorp
Classification: Uncertain significance for Intellectual developmental disorder, X-linked, syndromic 14. Last evaluated: 2022-12-18. Review status: criteria provided, single submitter. Criteria: Invitae Variant Classification Sherloc (09022015). Collection method: clinical testing. Allele origin: germline.
Comment: This variant, c.1264_1266del, results in the deletion of 1 amino acid(s) of the UPF3B protein (p.Lys422del), but otherwise preserves the integrity of the reading frame. This variant is present in population databases (rs778553900, gnomAD 0.02%), including at least one homozygous and/or hemizygous individual. This variant has not been reported in the literature in individuals affected with UPF3B-related conditions. Experimental studies and prediction algorithms are not available or were not evaluated, and the functional significance of this variant is currently unknown. In summary, the available evidence is currently insufficient to determine the role of this variant in disease. Therefore, it has been classified as a Variant of Uncertain Significance.

NM_080632.3(UPF3B):c.1264_1266del (p.Lys422del)

Gene: UPF3B (UPF3B regulator of nonsense mediated mRNA decay; minus strand). Cytogenetic location: Xq24.
Variant type: Deletion.
Coding change: c.1264_1266del on transcript NM_080632.3 (MANE Select); coding-DNA positions 1264 to 1266, 3 bases deleted (AAA; older notation c.1264_1266delAAA).
Protein change: p.Lys422del; deletes lysine 422.
Molecular consequence: inframe deletion.
Genome position (GRCh38, 1-based): chrX:119,837,793-119,837,795, TTT deleted on the plus strand (AAA on the coding strand, the reverse complement: UPF3B is on the minus strand). VCF-style (leftmost placement, unchanged base first): chrX-119837792-CTTT-C. GRCh37 (hg19) VCF-style: chrX-118971755-CTTT-C.
Other names: c.1225_1227del, p.Lys409del (NM_023010.4); short protein forms K422del, K409del.
Identifiers: ClinVar variation 2040802 (VCV002040802.4), dbSNP rs778553900, ClinGen allele CA10503161.